The following is an entry in ClinVar:

ClinVar aggregate classification (germline): Uncertain significance (1 of 4 stars; one submission).

Allele frequency attached by ClinVar (database versions not stated): gnomAD exomes below 0.00001; gnomAD 0.00001; TOPMed 0.00002.
gnomAD v4.1: 5 of 1,367,390 alleles (0.00037%); highest among the groups gnomAD compares: African/African-American, 0.0015%; no homozygotes.

Submission:

Labcorp Genetics (formerly Invitae), Labcorp
Classification: Uncertain significance. Last evaluated: 2023-05-20. Review status: criteria provided, single submitter. Criteria: Invitae Variant Classification Sherloc (09022015). Collection method: clinical testing. Allele origin: germline.
Comment: This sequence change replaces lysine, which is basic and polar, with glutamic acid, which is acidic and polar, at codon 1472 of the ERCC6L2 protein (p.Lys1472Glu). This variant is present in population databases (rs200654558, gnomAD 0.002%). This variant has not been reported in the literature in individuals affected with ERCC6L2-related conditions. Experimental studies and prediction algorithms are not available or were not evaluated, and the functional significance of this variant is currently unknown. In summary, the available evidence is currently insufficient to determine the role of this variant in disease. Therefore, it has been classified as a Variant of Uncertain Significance.

NM_020207.7(ERCC6L2):c.4381A>G (p.Lys1461Glu)

Gene: ERCC6L2 (ERCC excision repair 6 like 2; plus strand). Cytogenetic location: 9q22.32.
Variant type: single nucleotide variant.
Coding change: c.4381A>G on transcript NM_020207.7 (MANE Select); coding-DNA position 4381, A replaced by G.
Protein change: p.Lys1461Glu; replaces lysine 1461 with glutamic acid.
Molecular consequence: missense variant. On other transcripts: non-coding transcript variant (1), intron variant (2).
Genome position (GRCh38, 1-based): chr9:96,012,931, A>G. VCF-style: chr9-96012931-A-G. GRCh37 (hg19) VCF-style: chr9-98775213-A-G.
Other names: c.3674+8230A>G (NM_001375291.1, NM_001375292.1); short protein forms K1461E.
Identifiers: ClinVar variation 2987936 (VCV002987936.3), dbSNP rs200654558, ClinGen allele CA196591369.